The following is an entry in ClinVar:

NM_022168.4(IFIH1):c.1063G>T (p.Glu355Ter)

Gene: IFIH1 (interferon induced with helicase C domain 1; minus strand). Cytogenetic location: 2q24.2.
Variant type: single nucleotide variant.
Coding change: c.1063G>T on transcript NM_022168.4 (MANE Select); coding-DNA position 1063, G replaced by T.
Protein change: p.Glu355Ter; replaces glutamic acid 355 with a stop codon.
Molecular consequence: nonsense.
Genome position (GRCh38, 1-based): chr2:162,288,167, C>A on the plus strand (G>T on the coding strand, the complement: IFIH1 is on the minus strand). VCF-style: chr2-162288167-C-A. GRCh37 (hg19) VCF-style: chr2-163144677-C-A.
Other names: short protein forms E355*.
Identifiers: ClinVar variation 863752 (VCV000863752.7), dbSNP rs887114201, ClinGen allele CA349004590.

ClinVar aggregate classification (germline): Uncertain significance (1 of 4 stars; one submission).

Conditions:
Singleton-Merten syndrome 1 (SGMRT1). Also called: Widened medullary cavities of bone, aortic calcification, abnormal dentition, and muscular weakness; Syndrome of widened medullary cavities of the metacarpals and phalanges, aortic calcification and abnormal dentition. Identifiers: Orphanet 85191, MedGen C4225427, MONDO:0024535, OMIM 182250.
Aicardi-Goutieres syndrome 7 (AGS7). Identifiers: Orphanet 51, MedGen C3888244, MONDO:0014367, OMIM 615846.

Allele frequency attached by ClinVar (database versions not stated): gnomAD exomes 0.00001.
gnomAD v4.1: 10 of 1,612,166 alleles (0.00062%); highest among the groups gnomAD compares: Non-Finnish European, 0.00085%; no homozygotes.

Submission:

Labcorp Genetics (formerly Invitae), Labcorp
Classification: Uncertain significance for Aicardi-Goutieres syndrome 7; Singleton-Merten syndrome 1. Last evaluated: 2023-09-10. Review status: criteria provided, single submitter. Criteria: Invitae Variant Classification Sherloc (09022015). Collection method: clinical testing. Allele origin: germline.
Comment: In summary, the available evidence is currently insufficient to determine the role of this variant in disease. Therefore, it has been classified as a Variant of Uncertain Significance. This variant has not been reported in the literature in individuals affected with IFIH1-related conditions. This variant is not present in population databases (gnomAD no frequency). This sequence change creates a premature translational stop signal (p.Glu355*) in the IFIH1 gene. It is expected to result in an absent or disrupted protein product. However, the current clinical and genetic evidence is not sufficient to establish whether loss-of-function variants in IFIH1 cause disease. ClinVar contains an entry for this variant (Variation ID: 863752). Algorithms developed to predict the effect of sequence changes on RNA splicing suggest that this variant may disrupt the consensus splice site.